The following is an entry in ClinVar:

NM_005343.4(HRAS):c.445C>A (p.Arg149=)

Genes: HRAS (HRas proto-oncogene, GTPase; minus strand), LRRC56 (leucine rich repeat containing 56; plus strand). Cytogenetic location: 11p15.5.
Variant type: single nucleotide variant.
Coding change: c.445C>A on transcript NM_005343.4 (MANE Select); coding-DNA position 445, C replaced by A.
Protein change: p.Arg149=; no amino-acid change (arginine 149 retained).
Molecular consequence: synonymous variant.
Genome position (GRCh38, 1-based): chr11:533,458, G>T on the plus strand (C>A on the coding strand, the complement: HRAS is on the minus strand). VCF-style: chr11-533458-G-T. GRCh37 (hg19) VCF-style: chr11-533458-G-T.
Other names: c.445C>A, p.Arg149= (NM_001130442.3, NM_176795.5); c.126C>A, p.Pro42= (NM_001318054.2).
Identifiers: ClinVar variation 2978950 (VCV002978950.3), dbSNP rs1554884750, ClinGen allele CA472429310.

ClinVar aggregate classification (germline): Uncertain significance (1 of 4 stars; one submission).

Conditions:
Costello syndrome (CSTLO). Also called: FCS SYNDROME; FACIOCUTANEOSKELETAL SYNDROME; HRAS-Related Costello Syndrome. Identifiers: Orphanet 3071, MedGen C0587248, MONDO:0009026, OMIM 218040.

gnomAD v4.1: 3 of 1,613,270 alleles (0.00019%); highest among the groups gnomAD compares: Non-Finnish European, 0.00025%; no homozygotes.

Submission:

Labcorp Genetics (formerly Invitae), Labcorp
Classification: Uncertain significance for Costello syndrome. Last evaluated: 2023-01-16. Review status: criteria provided, single submitter. Criteria: Invitae Variant Classification Sherloc (09022015). Collection method: clinical testing. Allele origin: germline.
Comment: This variant is not present in population databases (gnomAD no frequency). In summary, the available evidence is currently insufficient to determine the role of this variant in disease. Therefore, it has been classified as a Variant of Uncertain Significance. Algorithms developed to predict the effect of sequence changes on RNA splicing suggest that this variant may create or strengthen a splice site. This variant has not been reported in the literature in individuals affected with HRAS-related conditions. This sequence change affects codon 149 of the HRAS mRNA. It is a 'silent' change, meaning that it does not change the encoded amino acid sequence of the HRAS protein.